The following is an entry in ClinVar:

ClinVar aggregate classification (germline): Pathogenic (1 of 4 stars; one submission).

Conditions:
Gorlin syndrome. Also called: Basal cell nevus syndrome; Nevoid Basal Cell Carcinoma Syndrome. Identifiers: Orphanet 377, MedGen C0004779, MONDO:0007187.

Submission:

Labcorp Genetics (formerly Invitae), Labcorp
Classification: Pathogenic for Gorlin syndrome. Last evaluated: 2023-11-17. Review status: criteria provided, single submitter. Criteria: Invitae Variant Classification Sherloc (09022015). Collection method: clinical testing. Allele origin: germline.
Comment: This sequence change creates a premature translational stop signal (p.Arg770Glufs*2) in the PTCH1 gene. It is expected to result in an absent or disrupted protein product. Loss-of-function variants in PTCH1 are known to be pathogenic (PMID: 16301862, 16419085). This variant is not present in population databases (gnomAD no frequency). This premature translational stop signal has been observed in individual(s) with basal cell nevus syndrome (PMID: 16301862). This variant is also known as 770 del C. For these reasons, this variant has been classified as Pathogenic.

Literature cited by the submitters: PubMed 16301862; PubMed 16419085.

NM_000264.5(PTCH1):c.2308del (p.Arg770fs)

Genes: PTCH1 (patched 1; minus strand), LOC100507346 (uncharacterized LOC100507346; plus strand). Cytogenetic location: 9q22.32.
Variant type: Deletion.
Coding change: c.2308del on transcript NM_000264.5 (MANE Select); coding-DNA position 2308, one base deleted (C; older notation c.2308delC).
Protein change: p.Arg770fs; shifts the reading frame from arginine 770.
Molecular consequence: frameshift variant. On other transcripts: non-coding transcript variant (1).
Genome position (GRCh38, 1-based): chr9:95,467,368, G deleted on the plus strand (C on the coding strand, the reverse complement: PTCH1 is on the minus strand); the first of 3 consecutive G bases (chr9:95,467,368-95,467,370); deleting any one gives the same sequence. VCF-style (leftmost placement, unchanged base first): chr9-95467367-CG-C. GRCh37 (hg19) VCF-style: chr9-98229649-CG-C.
Other names: c.2152del, p.Arg718fs (NM_001354918.2); c.2110del, p.Arg704fs (NM_001083602.3); c.2305del, p.Arg769fs (NM_001083603.3); c.1855del, p.Arg619fs (NM_001083604.3, NM_001083605.3, NM_001083606.3 and 1 more transcripts); short protein forms R770fs, R619fs, R718fs, R769fs, R704fs.
Identifiers: ClinVar variation 2735289 (VCV002735289.3), dbSNP rs2538133481, ClinGen allele CA2695210989.